The following is an entry in ClinVar:

ClinVar aggregate classification (germline): Conflicting classifications of pathogenicity. Review status: criteria provided, conflicting classifications (1 of 4 stars). 4 submissions from 4 submitters: Uncertain significance (1); Benign (1); Likely benign (1). 1 of the submissions does not count toward it. Last evaluated 2026-01-13.

Conditions:
PEX5-related disorder. Also called: PEX5-Related Disorders; PEX5-related condition.
Peroxisome biogenesis disorder 2A (Zellweger) (PBD2A). Also called: Cerebrohepatorenal syndrome, variant types. Identifiers: Orphanet 912, MedGen C3550273, MONDO:0008954, OMIM 214110.
Peroxisome biogenesis disorder 2B (PBD2B). Identifiers: Orphanet 44, MedGen C3550234, MONDO:0008736, OMIM 202370.

Allele frequency attached by ClinVar (database versions not stated): gnomAD 0.00010; TOPMed 0.00015.

Submissions (4):

Labcorp Genetics (formerly Invitae), Labcorp
Classification: Benign for Peroxisome biogenesis disorder 2B. Last evaluated: 2026-01-13. Review status: criteria provided, single submitter. Criteria: Invitae Variant Classification Sherloc (09022015). Collection method: clinical testing. Allele origin: germline.

Blueprint Genetics
Classification: Likely benign. Last evaluated: 2024-09-23. Review status: criteria provided, single submitter. Criteria: ACMG Guidelines, 2015. Collection method: clinical testing. Allele origin: germline.

Illumina Laboratory Services, Illumina
Classification: Uncertain significance for Peroxisome biogenesis disorder 2A (Zellweger). Last evaluated: 2018-01-12. Review status: criteria provided, single submitter. Criteria: ICSL Variant Classification Criteria 13 December 2019. Collection method: clinical testing. Allele origin: germline.

PreventionGenetics, part of Exact Sciences
Classification: Likely benign for PEX5-related condition. Last evaluated: 2024-03-20. Review status: no assertion criteria provided. Collection method: clinical testing. Allele origin: germline. Not counted in ClinVar's aggregate classification.
Comment: This variant is classified as likely benign based on ACMG/AMP sequence variant interpretation guidelines (Richards et al. 2015 PMID: 25741868, with internal and published modifications).

NM_001351132.2(PEX5):c.1653C>G (p.Leu551=)

Gene: PEX5 (peroxisomal biogenesis factor 5; plus strand). Cytogenetic location: 12p13.31.
Variant type: single nucleotide variant.
Coding change: c.1653C>G on transcript NM_001351132.2 (MANE Select); coding-DNA position 1653, C replaced by G.
Protein change: p.Leu551=; no amino-acid change (leucine 551 retained).
Molecular consequence: synonymous variant.
Genome position (GRCh38, 1-based): chr12:7,209,775, C>G. VCF-style: chr12-7209775-C-G. GRCh37 (hg19) VCF-style: chr12-7362371-C-G.
Other names: c.1629C>G, p.Leu543= (NM_000319.5); c.1698C>G, p.Leu566= (NM_001131023.2); c.1542C>G, p.Leu514= (NM_001131024.2, NM_001351124.3, NM_001351126.2 and 7 more transcripts); c.1653C>G, p.Leu551= (NM_001131025.2, NM_001131026.2, NM_001300789.3 and 4 more transcripts); c.1587C>G, p.Leu529= (NM_001351135.3, NM_001351138.2); c.1644C>G, p.Leu548= (NM_001351136.2); c.1518C>G, p.Leu506= (NM_001351139.2, NM_001351140.2, NM_001374649.2).
Identifiers: ClinVar variation 310430 (VCV000310430.15), dbSNP rs200215904, ClinGen allele CA6426536.
Genomic context (GRCh38, chr12:7,209,775, plus strand): 5'-CCTGGCCAATGGAAACCAGAGTGAAGAAGCAGTAGCTGCGTACCGCCGGGCCCTCGAGCT[C>G]CAGCCTGGCTATATCCGGTCCCGCTATAACCTGGGCATCAGCTGCATCAACCTCGGGGCT-3'
Protein context (NP_001338061.1, residues 541-561): AVAAYRRALE[Leu551=]QPGYIRSRYN